The following is an entry in ClinVar:

NM_000428.3(LTBP2):c.1789+7G>A

Gene: LTBP2 (latent transforming growth factor beta binding protein 2; minus strand). Cytogenetic location: 14q24.3.
Variant type: single nucleotide variant.
Coding change: c.1789+7G>A on transcript NM_000428.3 (MANE Select); 7 bases into the intron after coding-DNA position 1789, G replaced by A.
Molecular consequence: intron variant.
Genome position (GRCh38, 1-based): chr14:74,549,856, C>T on the plus strand (G>A on the coding strand, the complement: LTBP2 is on the minus strand). VCF-style: chr14-74549856-C-T. GRCh37 (hg19) VCF-style: chr14-75016559-C-T.
Identifiers: ClinVar variation 739675 (VCV000739675.16), dbSNP rs200259519, ClinGen allele CA7269778.
Genomic context (GRCh38, chr14:74,549,856, plus strand): 5'-TGGCAGGAGAGGGCAGGCCCAGGGAGAGCTTCCTCCACAACACGTGACCTTGGACTCCAG[C>T]ACTCACCTGGTCTGGGTGGGCATGGGGCACACAAAGTCACCCCCCAGAAGGCTCCCACAC-3'

ClinVar aggregate classification (germline): Conflicting classifications of pathogenicity. Review status: criteria provided, conflicting classifications (1 of 4 stars). 5 submissions from 4 submitters: Uncertain significance (2); Likely benign (2). 1 of the submissions does not count toward it. Last evaluated 2026-01-21.

Conditions:
LTBP2-related disorder. Also called: LTBP2-related condition; LTBP2-related disorders.
Weill-Marchesani syndrome. Also called: WM Syndrome; Mesodermal dysmorphodystrophy congenital. Identifiers: Orphanet 3449, MedGen C0265313, MONDO:0018096.
Glaucoma 3, primary congenital, D. Identifiers: Orphanet 98976, MedGen C2751316, MONDO:0013122, OMIM 613086.

Allele frequency attached by ClinVar (database versions not stated): 1000 Genomes Project 30x 0.00016; 1000 Genomes Project 0.00020; gnomAD 0.00033 and 0.00037; TOPMed 0.00035; ESP Exome Variant Server 0.00046; gnomAD exomes 0.00062; ExAC 0.00069.
gnomAD v4.1: 869 of 1,611,696 alleles (0.054%); highest among the groups gnomAD compares: South Asian, 0.17%; 1 homozygote.

Submissions (5):

Labcorp Genetics (formerly Invitae), Labcorp
Classification: Likely benign. Last evaluated: 2026-01-21. Review status: criteria provided, single submitter. Criteria: Invitae Variant Classification Sherloc (09022015). Collection method: clinical testing. Allele origin: germline.

Blueprint Genetics
Classification: Likely benign. Last evaluated: 2024-11-26. Review status: criteria provided, single submitter. Criteria: ACMG Guidelines, 2015. Collection method: clinical testing. Allele origin: germline.

Illumina Laboratory Services, Illumina
Classification: Uncertain significance for Weill-Marchesani syndrome. Last evaluated: 2018-01-13. Review status: criteria provided, single submitter. Criteria: ICSL Variant Classification Criteria 13 December 2019. Collection method: clinical testing. Allele origin: germline.

Illumina Laboratory Services, Illumina
Classification: Uncertain significance for Glaucoma 3, primary congenital, D. Last evaluated: 2018-01-13. Review status: criteria provided, single submitter. Criteria: ICSL Variant Classification Criteria 13 December 2019. Collection method: clinical testing. Allele origin: germline.

PreventionGenetics, part of Exact Sciences
Classification: Likely benign for LTBP2-related condition. Last evaluated: 2019-08-08. Review status: no assertion criteria provided. Collection method: clinical testing. Allele origin: germline. Not counted in ClinVar's aggregate classification.
Comment: This variant is classified as likely benign based on ACMG/AMP sequence variant interpretation guidelines (Richards et al. 2015 PMID: 25741868, with internal and published modifications).